The following is an entry in ClinVar:

ClinVar aggregate classification (germline): Likely benign. Review status: criteria provided, multiple submitters, no conflicts (2 of 4 stars). 2 submissions from 2 submitters: Likely benign (2). Last evaluated 2024-08-08.

Allele frequency attached by ClinVar (database versions not stated): gnomAD 0.00001; gnomAD exomes 0.00001; TOPMed 0.00001; ESP Exome Variant Server 0.00008.
gnomAD v4.1: 15 of 1,611,862 alleles (0.00093%); highest among the groups gnomAD compares: Non-Finnish European, 0.0013%; no homozygotes.

Submissions (2):

Labcorp Genetics (formerly Invitae), Labcorp
Classification: Likely benign. Last evaluated: 2024-08-08. Review status: criteria provided, single submitter. Criteria: Invitae Variant Classification Sherloc (09022015). Collection method: clinical testing. Allele origin: germline.

CeGaT Center for Human Genetics Tuebingen
Classification: Likely benign. Last evaluated: 2024-03-01. Review status: criteria provided, single submitter. Criteria: CeGaT Center For Human Genetics Tuebingen Variant Classification Criteria Version 2. Collection method: clinical testing. Allele origin: germline. Affected: yes. Observed: 1 variant allele.
Comment: PLVAP: BP4, BP7

NM_031310.3(PLVAP):c.912C>T (p.Leu304=)

Gene: PLVAP (plasmalemma vesicle associated protein; minus strand). Cytogenetic location: 19p13.11.
Variant type: single nucleotide variant.
Coding change: c.912C>T on transcript NM_031310.3 (MANE Select); coding-DNA position 912, C replaced by T.
Protein change: p.Leu304=; no amino-acid change (leucine 304 retained).
Molecular consequence: synonymous variant.
Genome position (GRCh38, 1-based): chr19:17,365,553, G>A on the plus strand (C>T on the coding strand, the complement: PLVAP is on the minus strand). VCF-style: chr19-17365553-G-A. GRCh37 (hg19) VCF-style: chr19-17476362-G-A.
Identifiers: ClinVar variation 1981559 (VCV001981559.25), dbSNP rs149357796, ClinGen allele CA306065678.
Genomic context (GRCh38, chr19:17,365,553, plus strand): 5'-CTTCTGTTTCGCCTCCTGACTGGCCCGCAGGCCCTGCTGGGCTTCCAGCTTCTGGCGTTG[G>A]AGGTCTGAGTTCTCGCGGGCCACGCGTTCGATATCCGCCCGGAGGCTCCGGGCCAGCTCC-3'
Protein context (NP_112600.1, residues 294-314): IERVARENSD[Leu304=]QRQKLEAQQG